The following is an entry in ClinVar:

NM_020832.3(ZNF687):c.2255G>A (p.Arg752Gln)

Gene: ZNF687 (zinc finger protein 687; plus strand). Cytogenetic location: 1q21.3.
Variant type: single nucleotide variant.
Coding change: c.2255G>A on transcript NM_020832.3 (MANE Select); coding-DNA position 2255, G replaced by A.
Protein change: p.Arg752Gln; replaces arginine 752 with glutamine.
Molecular consequence: missense variant.
Genome position (GRCh38, 1-based): chr1:151,288,667, G>A. VCF-style: chr1-151288667-G-A. GRCh37 (hg19) VCF-style: chr1-151261143-G-A.
Other names: c.2255G>A, p.Arg752Gln (NM_001304764.2, NM_001304763.2); c.2255G>A (NM_020832.1); short protein forms R752Q.
Identifiers: ClinVar variation 3651802 (VCV003651802.3).

ClinVar aggregate classification (germline): Uncertain significance. Review status: criteria provided, multiple submitters, no conflicts (2 of 4 stars). 2 submissions from 2 submitters: Uncertain significance (2). Last evaluated 2025-03-27.

gnomAD v4.1: 24 of 1,613,964 alleles (0.0015%); highest among the groups gnomAD compares: African/African-American, 0.021%; no homozygotes.

Submissions (2):

Ambry Genetics
Classification: Uncertain significance. Last evaluated: 2025-03-27. Review status: criteria provided, single submitter. Criteria: Ambry Variant Classification Scheme 2023. Collection method: clinical testing. Allele origin: germline.

Labcorp Genetics (formerly Invitae), Labcorp
Classification: Uncertain significance. Last evaluated: 2024-02-18. Review status: criteria provided, single submitter. Criteria: Invitae Variant Classification Sherloc (09022015). Collection method: clinical testing. Allele origin: germline.
Comment: This sequence change replaces arginine, which is basic and polar, with glutamine, which is neutral and polar, at codon 752 of the ZNF687 protein (p.Arg752Gln). This variant is present in population databases (rs149247665, gnomAD 0.01%). This variant has not been reported in the literature in individuals affected with ZNF687-related conditions. An algorithm developed to predict the effect of missense changes on protein structure and function (PolyPhen-2) suggests that this variant is likely to be tolerated. In summary, the available evidence is currently insufficient to determine the role of this variant in disease. Therefore, it has been classified as a Variant of Uncertain Significance.